The following is an entry in ClinVar:

NM_001267550.2(TTN):c.103133A>C (p.Gln34378Pro)

Genes: TTN (titin; minus strand), TTN-AS1 (TTN antisense RNA 1; plus strand). Cytogenetic location: 2q31.2.
Variant type: single nucleotide variant.
Coding change: c.103133A>C on transcript NM_001267550.2 (MANE Select); coding-DNA position 103133, A replaced by C.
Protein change: p.Gln34378Pro; replaces glutamine 34378 with proline.
Molecular consequence: missense variant.
Genome position (GRCh38, 1-based): chr2:178,533,482, T>G on the plus strand (A>C on the coding strand, the complement: TTN is on the minus strand). VCF-style: chr2-178533482-T-G. GRCh37 (hg19) VCF-style: chr2-179398209-T-G.
Other names: c.98210A>C, p.Gln32737Pro (NM_001256850.1); c.75938A>C, p.Gln25313Pro (NM_003319.4); c.95429A>C, p.Gln31810Pro (NM_133378.4); c.76313A>C, p.Gln25438Pro (NM_133432.3); c.76514A>C, p.Gln25505Pro (NM_133437.4); short protein forms Q25313P, Q25505P, Q25438P, Q31810P, Q34378P, Q32737P.
Identifiers: ClinVar variation 1419637 (VCV001419637.8), dbSNP rs779618819, ClinGen allele CA349415059.
Genomic context (GRCh38, chr2:178,533,482, plus strand): 5'-TTCTCCCATTTTAATGTTGGTGGGGGGATGCCAGACACTCTGATCTCAAAGCAGACACTT[T>G]GGCCTTCTTGGCATTCTGCATTTGCCAGTAACCTTTTGAACATGGGTCTTAAGGTACTAT-3'
Protein context (NP_001254479.2, residues 34368-34388): LLANAECQEG[Gln34378Pro]SVCFEIRVSG

ClinVar aggregate classification (germline): Uncertain significance. Review status: criteria provided, multiple submitters, no conflicts (2 of 4 stars). 2 submissions from 2 submitters: Uncertain significance (2). Last evaluated 2025-06-11.

Conditions:
Dilated cardiomyopathy 1G (CMD1G). Identifiers: Orphanet 154, MedGen C1858763, MONDO:0011400, OMIM 604145.
Autosomal recessive limb-girdle muscular dystrophy type 2J (LGMDR10). Also called: Limb-girdle muscular dystrophy, type 2J; MUSCULAR DYSTROPHY, LIMB-GIRDLE, AUTOSOMAL RECESSIVE 10. Identifiers: Orphanet 140922, MedGen C1837342, MONDO:0012127, OMIM 608807.
Cardiovascular phenotype. Identifiers: MedGen CN230736.

Allele frequency attached by ClinVar (database versions not stated): TOPMed below 0.00001.
gnomAD v4.1: 4 of 1,613,438 alleles (0.00025%); highest among the groups gnomAD compares: Non-Finnish European, 0.00034%; no homozygotes.

Submissions (2):

Labcorp Genetics (formerly Invitae), Labcorp
Classification: Uncertain significance for Dilated cardiomyopathy 1G; Autosomal recessive limb-girdle muscular dystrophy type 2J. Last evaluated: 2025-06-11. Review status: criteria provided, single submitter. Criteria: Invitae Variant Classification Sherloc (09022015). Collection method: clinical testing. Allele origin: germline.
Comment: This sequence change replaces glutamine, which is neutral and polar, with proline, which is neutral and non-polar, at codon 34378 of the TTN protein (p.Gln34378Pro). This variant is present in population databases (no rsID available, gnomAD 0.0009%). This variant has not been reported in the literature in individuals affected with TTN-related conditions. ClinVar contains an entry for this variant (Variation ID: 1419637). Experimental studies and prediction algorithms are not available or were not evaluated, and the functional significance of this variant is currently unknown. This variant is located in the M band of TTN (PMID: 25589632). Non-truncating variants in this region may be relevant for neuromuscular disorders, but have not been definitively shown to cause cardiomyopathy (PMID: 23975875). In summary, the available evidence is currently insufficient to determine the role of this variant in disease. Therefore, it has been classified as a Variant of Uncertain Significance.

Ambry Genetics
Classification: Uncertain significance for Cardiovascular phenotype. Last evaluated: 2020-03-25. Review status: criteria provided, single submitter. Criteria: Ambry Variant Classification Scheme 2023. Collection method: clinical testing. Allele origin: germline.
Comment: The p.Q25313P variant (also known as c.75938A>C), located in coding exon 185 of the TTN gene, results from an A to C substitution at nucleotide position 75938. The glutamine at codon 25313 is replaced by proline, an amino acid with similar properties. This amino acid position is well conserved in available vertebrate species. In addition, the in silico prediction for this alteration is inconclusive. Since supporting evidence is limited at this time, the clinical significance of this alteration remains unclear.

Literature cited by the submitters: PubMed 25589632 (cited by Labcorp Genetics (formerly Invitae), Labcorp); PubMed 23975875 (cited by Labcorp Genetics (formerly Invitae), Labcorp).